The following is an entry in ClinVar:

ClinVar aggregate classification (germline): Uncertain significance (1 of 4 stars; one submission).

Conditions:
REN-related disorder. Also called: REN-related condition.

Submission:

PreventionGenetics, part of Exact Sciences
Classification: Uncertain significance for REN-related condition. Last evaluated: 2025-03-09. Review status: criteria provided, single submitter. Criteria: ACMG Guidelines, 2015. Collection method: clinical testing. Allele origin: germline.
Comment: The REN c.393T>G variant is predicted to result in the amino acid substitution p.Asp131Glu. To our knowledge, this variant has not been reported in the literature. This variant is reported in 0.0085% of alleles in individuals of European (non-Finnish) descent in gnomAD. At this time, the clinical significance of this variant is uncertain due to the absence of conclusive functional and genetic evidence.

NM_000537.4(REN):c.393T>G (p.Asp131Glu)

Gene: REN (renin; minus strand). Cytogenetic location: 1q32.1.
Variant type: single nucleotide variant.
Coding change: c.393T>G on transcript NM_000537.4 (MANE Select); coding-DNA position 393, T replaced by G.
Protein change: p.Asp131Glu; replaces aspartic acid 131 with glutamic acid.
Molecular consequence: missense variant.
Genome position (GRCh38, 1-based): chr1:204,160,659, A>C on the plus strand (T>G on the coding strand, the complement: REN is on the minus strand). VCF-style: chr1-204160659-A-C. GRCh37 (hg19) VCF-style: chr1-204129787-A-C.
Other names: short protein forms D131E.
Identifiers: ClinVar variation 4990035 (VCV004990035.1).